The following is an entry in ClinVar:

NM_198098.4(AQP1):c.*209G>A

Gene: AQP1 (aquaporin 1 (Colton blood group); plus strand). Cytogenetic location: 7p14.3.
Variant type: single nucleotide variant.
Coding change: c.*209G>A on transcript NM_198098.4 (MANE Select); 209 bases downstream of the stop codon, G replaced by A.
Molecular consequence: 3 prime UTR variant. On other transcripts: synonymous variant (1).
Genome position (GRCh38, 1-based): chr7:30,923,838, G>A. VCF-style: chr7-30923838-G-A. GRCh37 (hg19) VCF-style: chr7-30963453-G-A.
Other names: c.801G>A, p.Gly267= (NM_001329872.2).
Identifiers: ClinVar variation 3034285 (VCV003034285.2), dbSNP rs751474011, ClinGen allele CA4208312.
Genomic context (GRCh38, chr7:30,923,838, plus strand): 5'-ATGGGGGTGTTTCTATCTCTTTCTTTCTCTTTCTGTTTCCTGGCCTCAGAGCTTCCTGGG[G>A]ACCAAGATTTACCAATTCACCCACTCCCTTGAAGTTGTGGAGGAGGTGAAAGAAAGGGAC-3'

ClinVar aggregate classification (germline): Likely benign (0 of 4 stars; one submission).

Conditions:
AQP1-related disorder. Also called: AQP1-related condition.

Allele frequency attached by ClinVar (database versions not stated): gnomAD exomes below 0.00001; ExAC 0.00004.

Submission:

PreventionGenetics, part of Exact Sciences
Classification: Likely benign for AQP1-related condition. Last evaluated: 2019-06-12. Review status: no assertion criteria provided. Collection method: clinical testing. Allele origin: germline.
Comment: This variant is classified as likely benign based on ACMG/AMP sequence variant interpretation guidelines (Richards et al. 2015 PMID: 25741868, with internal and published modifications).